The following is an entry in ClinVar:

ClinVar aggregate classification (germline): Uncertain significance. Review status: criteria provided, multiple submitters, no conflicts (2 of 4 stars). 4 submissions from 4 submitters: Uncertain significance (4). Last evaluated 2026-03-31.

Conditions:
Aldosterone-producing adenoma with seizures and neurological abnormalities. Also called: Primary aldosteronism, seizures, and neurologic abnormalities. Identifiers: Orphanet 369929, MedGen C3809609, MONDO:0014200, OMIM 615474.
Sinoatrial node dysfunction and deafness (SANDD). Identifiers: Orphanet 324321, MedGen C3554018, MONDO:0013960, OMIM 614896.
CACNA1D-related disorder.

Allele frequency attached by ClinVar (database versions not stated): ExAC 0.00002; gnomAD exomes 0.00002 and 0.00008; gnomAD 0.00003 and 0.00004; TOPMed 0.00003.
gnomAD v4.1: 122 of 1,613,834 alleles (0.0076%); highest among the groups gnomAD compares: Non-Finnish European, 0.0093%; no homozygotes.

Submissions (4):

PreventionGenetics, part of Exact Sciences
Classification: Uncertain significance for CACNA1D-related condition. Last evaluated: 2026-03-31. Review status: criteria provided, single submitter. Criteria: ACMG Guidelines, 2015. Collection method: clinical testing. Allele origin: germline.
Comment: The CACNA1D c.6409G>A variant is predicted to result in the amino acid substitution p.Gly2137Arg. To our knowledge, this variant has not been reported in the literature. This variant is reported in 0.0039% of alleles in individuals of European (Non-Finnish) descent in gnomAD. At this time, the clinical significance of this variant is uncertain due to the absence of conclusive functional and genetic evidence.

Labcorp Genetics (formerly Invitae), Labcorp
Classification: Uncertain significance. Last evaluated: 2026-01-21. Review status: criteria provided, single submitter. Criteria: Invitae Variant Classification Sherloc (09022015). Collection method: clinical testing. Allele origin: germline.
Comment: This sequence change replaces glycine, which is neutral and non-polar, with arginine, which is basic and polar, at codon 2137 of the CACNA1D protein (p.Gly2137Arg). This variant is present in population databases (rs773604700, gnomAD 0.004%). This variant has not been reported in the literature in individuals affected with CACNA1D-related conditions. ClinVar contains an entry for this variant (Variation ID: 1438559). An algorithm developed to predict the effect of missense changes on protein structure and function (PolyPhen-2) suggests that this variant is likely to be disruptive. In summary, the available evidence is currently insufficient to determine the role of this variant in disease. Therefore, it has been classified as a Variant of Uncertain Significance.

GeneDx
Classification: Uncertain significance. Last evaluated: 2023-07-12. Review status: criteria provided, single submitter. Criteria: GeneDx Variant Classification Process June 2021. Collection method: clinical testing. Allele origin: germline. Affected: yes.
Comment: In silico analysis supports that this missense variant has a deleterious effect on protein structure/function; Has not been previously published as pathogenic or benign to our knowledge

Fulgent Genetics
Classification: Uncertain significance for Sinoatrial node dysfunction and deafness; Aldosterone-producing adenoma with seizures and neurological abnormalities. Last evaluated: 2021-07-26. Review status: criteria provided, single submitter. Criteria: ACMG Guidelines, 2015. Collection method: clinical testing. Allele origin: unknown.

NM_001128840.3(CACNA1D):c.6349G>A (p.Gly2117Arg)

Gene: CACNA1D (calcium voltage-gated channel subunit alpha1 D; plus strand). Cytogenetic location: 3p21.1.
Variant type: single nucleotide variant.
Coding change: c.6349G>A on transcript NM_001128840.3 (MANE Select); coding-DNA position 6349, G replaced by A.
Protein change: p.Gly2117Arg; replaces glycine 2117 with arginine.
Molecular consequence: missense variant.
Genome position (GRCh38, 1-based): chr3:53,811,269, G>A. VCF-style: chr3-53811269-G-A. GRCh37 (hg19) VCF-style: chr3-53845296-G-A.
Other names: c.6409G>A, p.Gly2137Arg (NM_000720.4); c.6277G>A, p.Gly2093Arg (NM_001128839.3); c.6409G>A (NM_000720.3); short protein forms G2093R, G2117R, G2137R.
Identifiers: ClinVar variation 1438559 (VCV001438559.12), dbSNP rs773604700, ClinGen allele CA2455432.